The following is an entry in ClinVar:

NM_024675.4(PALB2):c.692A>T (p.Lys231Ile)

Gene: PALB2 (partner and localizer of BRCA2; minus strand). Cytogenetic location: 16p12.2.
Variant type: single nucleotide variant.
Coding change: c.692A>T on transcript NM_024675.4 (MANE Select); coding-DNA position 692, A replaced by T.
Protein change: p.Lys231Ile; replaces lysine 231 with isoleucine.
Molecular consequence: missense variant.
Genome position (GRCh38, 1-based): chr16:23,635,854, T>A on the plus strand (A>T on the coding strand, the complement: PALB2 is on the minus strand). VCF-style: chr16-23635854-T-A. GRCh37 (hg19) VCF-style: chr16-23647175-T-A.
Other names: short protein forms K231I.
Identifiers: ClinVar variation 826710 (VCV000826710.4), dbSNP rs745443201, ClinGen allele CA395136397.

ClinVar aggregate classification (germline): Uncertain significance (1 of 4 stars; one submission).

Conditions:
Hereditary cancer-predisposing syndrome. Also called: Neoplastic Syndromes, Hereditary; Tumor predisposition; Hereditary neoplastic syndrome; Hereditary Cancer Syndrome. Identifiers: Orphanet 140162, MedGen C0027672, MeSH D009386, MONDO:0015356.

Submission:

Ambry Genetics
Classification: Uncertain significance for Hereditary cancer-predisposing syndrome. Last evaluated: 2019-08-13. Review status: criteria provided, single submitter. Criteria: Ambry Variant Classification Scheme 2023. Collection method: clinical testing. Allele origin: germline.
Comment: The p.K231I variant (also known as c.692A>T), located in coding exon 4 of the PALB2 gene, results from an A to T substitution at nucleotide position 692. The lysine at codon 231 is replaced by isoleucine, an amino acid with dissimilar properties. This amino acid position is poorly conserved in available vertebrate species. In addition, this alteration is predicted to be tolerated by in silico analysis. Since supporting evidence is limited at this time, the clinical significance of this alteration remains unclear.